The following is an entry in ClinVar:

ClinVar aggregate classification (germline): Uncertain significance (1 of 4 stars; one submission).

Conditions:
Hereditary nonpolyposis colorectal neoplasms. Identifiers: MedGen C0009405, MeSH D003123.

Submission:

Labcorp Genetics (formerly Invitae), Labcorp
Classification: Uncertain significance for Hereditary nonpolyposis colorectal neoplasms. Last evaluated: 2021-06-18. Review status: criteria provided, single submitter. Criteria: Invitae Variant Classification Sherloc (09022015). Collection method: clinical testing. Allele origin: germline.
Comment: This variant is not present in population databases (ExAC no frequency). This sequence change replaces phenylalanine with leucine at codon 1333 of the MSH6 protein (p.Phe1333Leu). The phenylalanine residue is highly conserved and there is a small physicochemical difference between phenylalanine and leucine. This variant has not been reported in the literature in individuals with MSH6-related conditions. In summary, the available evidence is currently insufficient to determine the role of this variant in disease. Therefore, it has been classified as a Variant of Uncertain Significance. Algorithms developed to predict the effect of missense changes on protein structure and function are either unavailable or do not agree on the potential impact of this missense change (SIFT: "Deleterious"; PolyPhen-2: "Probably Damaging"; Align-GVGD: "Class C15").

NM_000179.3(MSH6):c.3997T>C (p.Phe1333Leu)

Gene: MSH6 (mutS homolog 6; plus strand). Cytogenetic location: 2p16.3.
Variant type: single nucleotide variant.
Coding change: c.3997T>C on transcript NM_000179.3 (MANE Select); coding-DNA position 3997, T replaced by C.
Protein change: p.Phe1333Leu; replaces phenylalanine 1333 with leucine.
Molecular consequence: missense variant.
Genome position (GRCh38, 1-based): chr2:47,806,647, T>C. VCF-style: chr2-47806647-T-C. GRCh37 (hg19) VCF-style: chr2-48033786-T-C.
Other names: c.3607T>C, p.Phe1203Leu (NM_001281492.2); c.3091T>C, p.Phe1031Leu (NM_001281493.2, NM_001281494.2); short protein forms F1031L, F1333L, F1203L.
Identifiers: ClinVar variation 1362107 (VCV001362107.8), dbSNP rs2104568183, ClinGen allele CA346761602.